The following is an entry in ClinVar:

ClinVar aggregate classification (germline): Likely benign. Review status: criteria provided, multiple submitters, no conflicts (2 of 4 stars). 3 submissions from 3 submitters: Likely benign (3). Last evaluated 2026-05-01.

Conditions:
KBG syndrome (KBGS). Also called: ANKRD11-Related KBG Syndrome. Identifiers: Orphanet 2332, MedGen C0220687, MONDO:0007846, OMIM 148050.

Allele frequency attached by ClinVar (database versions not stated): gnomAD 0.00005 and 0.00006; ExAC 0.00006.
gnomAD v4.1: 41 of 1,612,946 alleles (0.0025%); highest among the groups gnomAD compares: Middle Eastern, 0.017%; no homozygotes.

Submissions (3):

CeGaT Center for Human Genetics Tuebingen
Classification: Likely benign. Last evaluated: 2026-05-01. Review status: criteria provided, single submitter. Criteria: CeGaT Center For Human Genetics Tuebingen Variant Classification Criteria Version 2. Collection method: clinical testing. Allele origin: germline. Affected: yes. Observed: 1 variant allele.
Comment: ANKRD11: BP4, BP7

Labcorp Genetics (formerly Invitae), Labcorp
Classification: Likely benign for KBG syndrome. Last evaluated: 2025-03-25. Review status: criteria provided, single submitter. Criteria: Invitae Variant Classification Sherloc (09022015). Collection method: clinical testing. Allele origin: germline.

Blueprint Genetics
Classification: Likely benign. Last evaluated: 2024-10-23. Review status: criteria provided, single submitter. Criteria: ACMG Guidelines, 2015. Collection method: clinical testing. Allele origin: germline.

NM_013275.6(ANKRD11):c.5988C>T (p.Pro1996=)

Gene: ANKRD11 (ankyrin repeat domain 11; minus strand). Cytogenetic location: 16q24.3.
Variant type: single nucleotide variant.
Coding change: c.5988C>T on transcript NM_013275.6 (MANE Select); coding-DNA position 5988, C replaced by T.
Protein change: p.Pro1996=; no amino-acid change (proline 1996 retained).
Molecular consequence: synonymous variant.
Genome position (GRCh38, 1-based): chr16:89,280,554, G>A on the plus strand (C>T on the coding strand, the complement: ANKRD11 is on the minus strand). VCF-style: chr16-89280554-G-A. GRCh37 (hg19) VCF-style: chr16-89346962-G-A.
Other names: c.5988C>T, p.Pro1996= (NM_001256182.2, NM_001256183.2).
Identifiers: ClinVar variation 1591098 (VCV001591098.11), dbSNP rs746928698, ClinGen allele CA8241646.